The following is an entry in ClinVar:

NM_004706.4(ARHGEF1):c.1318G>A (p.Asp440Asn)

Gene: ARHGEF1 (Rho guanine nucleotide exchange factor 1; plus strand). Cytogenetic location: 19q13.2.
Variant type: single nucleotide variant.
Coding change: c.1318G>A on transcript NM_004706.4 (MANE Select); coding-DNA position 1318, G replaced by A.
Protein change: p.Asp440Asn; replaces aspartic acid 440 with asparagine.
Molecular consequence: missense variant.
Genome position (GRCh38, 1-based): chr19:41,901,937, G>A. VCF-style: chr19-41901937-G-A. GRCh37 (hg19) VCF-style: chr19-42406087-G-A.
Other names: c.1219G>A, p.Asp407Asn (NM_198977.2); c.1363G>A, p.Asp455Asn (NM_199002.2); short protein forms D440N, D407N, D455N.
Identifiers: ClinVar variation 1373708 (VCV001373708.6), dbSNP rs782375583, ClinGen allele CA9466336.

ClinVar aggregate classification (germline): Uncertain significance (1 of 4 stars; one submission).

Allele frequency attached by ClinVar (database versions not stated): gnomAD 0.00001; TOPMed 0.00001; ExAC 0.00002; gnomAD exomes 0.00002.
gnomAD v4.1: 26 of 1,613,518 alleles (0.0016%); highest among the groups gnomAD compares: East Asian, 0.0089%; no homozygotes.

Submission:

Labcorp Genetics (formerly Invitae), Labcorp
Classification: Uncertain significance. Last evaluated: 2024-11-05. Review status: criteria provided, single submitter. Criteria: Invitae Variant Classification Sherloc (09022015). Collection method: clinical testing. Allele origin: germline.
Comment: This sequence change replaces aspartic acid, which is acidic and polar, with asparagine, which is neutral and polar, at codon 455 of the ARHGEF1 protein (p.Asp455Asn). This variant is present in population databases (rs782375583, gnomAD 0.01%). This variant has not been reported in the literature in individuals affected with ARHGEF1-related conditions. ClinVar contains an entry for this variant (Variation ID: 1373708). An algorithm developed to predict the effect of missense changes on protein structure and function (PolyPhen-2) suggests that this variant is likely to be tolerated. In summary, the available evidence is currently insufficient to determine the role of this variant in disease. Therefore, it has been classified as a Variant of Uncertain Significance.